The following is an entry in ClinVar:

ClinVar aggregate classification (germline): Uncertain significance (1 of 4 stars; one submission).

Conditions:
Sandhoff disease. Also called: Beta-hexosaminidase-beta-subunit deficiency; GM2 gangliosidosis, type 2; Total hexosaminidase deficiency; Sandhoff-Jatzkewitz-Pilz disease; GM2-GANGLIOSIDOSIS, TYPE II; HEXOSAMINIDASES A AND B DEFICIENCY. Identifiers: Orphanet 796, MedGen C0036161, MONDO:0010006, OMIM 268800.

Allele frequency attached by ClinVar (database versions not stated): gnomAD exomes below 0.00001; TOPMed below 0.00001; ExAC 0.00001; gnomAD 0.00001.
gnomAD v4.1: 4 of 1,572,738 alleles (0.00025%); highest among the groups gnomAD compares: Admixed American, 0.0017%; no homozygotes.

Submission:

Labcorp Genetics (formerly Invitae), Labcorp
Classification: Uncertain significance for Sandhoff disease. Last evaluated: 2025-01-06. Review status: criteria provided, single submitter. Criteria: Invitae Variant Classification Sherloc (09022015). Collection method: clinical testing. Allele origin: germline.
Comment: This sequence change replaces isoleucine, which is neutral and non-polar, with threonine, which is neutral and polar, at codon 195 of the HEXB protein (p.Ile195Thr). The frequency data for this variant in the population databases is considered unreliable, as metrics indicate poor data quality at this position in the gnomAD database. This variant has not been reported in the literature in individuals affected with HEXB-related conditions. ClinVar contains an entry for this variant (Variation ID: 1489892). Invitae Evidence Modeling of protein sequence and biophysical properties (such as structural, functional, and spatial information, amino acid conservation, physicochemical variation, residue mobility, and thermodynamic stability) indicates that this missense variant is not expected to disrupt HEXB protein function with a negative predictive value of 95%. In summary, the available evidence is currently insufficient to determine the role of this variant in disease. Therefore, it has been classified as a Variant of Uncertain Significance.

NM_000521.4(HEXB):c.584T>C (p.Ile195Thr)

Gene: HEXB (hexosaminidase subunit beta; plus strand). Cytogenetic location: 5q13.3.
Variant type: single nucleotide variant.
Coding change: c.584T>C on transcript NM_000521.4 (MANE Select); coding-DNA position 584, T replaced by C.
Protein change: p.Ile195Thr; replaces isoleucine 195 with threonine.
Molecular consequence: missense variant. On other transcripts: 5 prime UTR variant (1).
Genome position (GRCh38, 1-based): chr5:74,697,021, T>C. VCF-style: chr5-74697021-T-C. GRCh37 (hg19) VCF-style: chr5-73992846-T-C.
Other names: c.-92T>C (NM_001292004.2); short protein forms I195T.
Identifiers: ClinVar variation 1489892 (VCV001489892.7), dbSNP rs765229504, ClinGen allele CA3305891.